The following is an entry in ClinVar:

NM_005632.3(CAPN15):c.1336C>T (p.Arg446Trp)

Gene: CAPN15 (calpain 15; plus strand). Cytogenetic location: 16p13.3.
Variant type: single nucleotide variant.
Coding change: c.1336C>T on transcript NM_005632.3 (MANE Select); coding-DNA position 1336, C replaced by T.
Protein change: p.Arg446Trp; replaces arginine 446 with tryptophan.
Molecular consequence: missense variant.
Genome position (GRCh38, 1-based): chr16:548,174, C>T. VCF-style: chr16-548174-C-T. GRCh37 (hg19) VCF-style: chr16-598174-C-T.
Other names: short protein forms R446W.
Identifiers: ClinVar variation 3902041 (VCV003902041.1).

ClinVar aggregate classification (germline): Uncertain significance (1 of 4 stars; one submission).

Conditions:
Oculogastrointestinal-neurodevelopmental syndrome. Identifiers: Orphanet 611201, MedGen C5543355, MONDO:0036189, OMIM 619318.

gnomAD v4.1: 95 of 1,529,102 alleles (0.0062%); highest among the groups gnomAD compares: African/African-American, 0.065%; no homozygotes.

Submission:

Laboratorio de Genetica e Diagnostico Molecular, Hospital Israelita Albert Einstein
Classification: Uncertain significance for Oculogastrointestinal-neurodevelopmental syndrome. Last evaluated: 2024-07-26. Review status: criteria provided, single submitter. Criteria: ACMG Guidelines, 2015. Collection method: clinical testing. Allele origin: germline. Affected: yes.
Comment: ACMG classification criteria: PM2 supporting, BP4 supporting